The following is an entry in ClinVar:

NM_000038.6(APC):c.3421A>G (p.Thr1141Ala)

Gene: APC (APC regulator of Wnt signaling pathway; plus strand). Cytogenetic location: 5q22.2.
Variant type: single nucleotide variant.
Coding change: c.3421A>G on transcript NM_000038.6 (MANE Select); coding-DNA position 3421, A replaced by G.
Protein change: p.Thr1141Ala; replaces threonine 1141 with alanine.
Molecular consequence: missense variant.
Genome position (GRCh38, 1-based): chr5:112,839,015, A>G. VCF-style: chr5-112839015-A-G. GRCh37 (hg19) VCF-style: chr5-112174712-A-G.
Other names: c.3421A>G, p.Thr1141Ala (NM_001127510.3, NM_001354895.2); c.3367A>G, p.Thr1123Ala (NM_001127511.3); c.3475A>G, p.Thr1159Ala (NM_001354896.2); c.3451A>G, p.Thr1151Ala (NM_001354897.2); c.3346A>G, p.Thr1116Ala (NM_001354898.2); c.3337A>G, p.Thr1113Ala (NM_001354899.2); c.3298A>G, p.Thr1100Ala (NM_001354900.2); c.3244A>G, p.Thr1082Ala (NM_001354901.2); and 6 more; short protein forms T1015A, T1040A, T1050A, T1082A, T1100A, T1113A, T1116A, T1123A.
Identifiers: ClinVar variation 1331099 (VCV001331099.5), dbSNP rs1476899240, ClinGen allele CA16028832.

ClinVar aggregate classification (germline): Uncertain significance. Review status: criteria provided, multiple submitters, no conflicts (2 of 4 stars). 3 submissions from 3 submitters: Uncertain significance (2). 1 of the submissions does not count toward it. Last evaluated 2024-10-21.

Conditions:
Hereditary cancer-predisposing syndrome. Also called: Tumor predisposition; Hereditary Cancer Syndrome; Neoplastic Syndromes, Hereditary; Hereditary neoplastic syndrome. Identifiers: Orphanet 140162, MedGen C0027672, MeSH D009386, MONDO:0015356.
Familial adenomatous polyposis 1 (FAP1). Also called: POLYPOSIS, ADENOMATOUS INTESTINAL; FAMILIAL ADENOMATOUS POLYPOSIS 1, ATTENUATED. Identifiers: MedGen C2713442, MONDO:0021056, OMIM 175100. Disease mechanism: loss of function.

Submissions (3):

Ambry Genetics
Classification: Uncertain significance for Hereditary cancer-predisposing syndrome. Last evaluated: 2024-10-21. Review status: criteria provided, single submitter. Criteria: Ambry Variant Classification Scheme 2023. Collection method: clinical testing. Allele origin: germline.
Comment: The p.T1141A variant (also known as c.3421A>G), located in coding exon 15 of the APC gene, results from an A to G substitution at nucleotide position 3421. The threonine at codon 1141 is replaced by alanine, an amino acid with similar properties. This amino acid position is conserved. In addition, in silico predictors for this gene do not accurately predict pathogenicity. Based on the available evidence, the clinical significance of this variant remains unclear.

Labcorp Genetics (formerly Invitae), Labcorp
Classification: Uncertain significance for Familial adenomatous polyposis 1. Last evaluated: 2023-12-08. Review status: criteria provided, single submitter. Criteria: Invitae Variant Classification Sherloc (09022015). Collection method: clinical testing. Allele origin: germline.
Comment: This sequence change replaces threonine, which is neutral and polar, with alanine, which is neutral and non-polar, at codon 1141 of the APC protein (p.Thr1141Ala). This variant is not present in population databases (gnomAD no frequency). This variant has not been reported in the literature in individuals affected with APC-related conditions. ClinVar contains an entry for this variant (Variation ID: 1331099). Advanced modeling of protein sequence and biophysical properties (such as structural, functional, and spatial information, amino acid conservation, physicochemical variation, residue mobility, and thermodynamic stability) performed at Invitae indicates that this missense variant is not expected to disrupt APC protein function with a negative predictive value of 95%. In summary, the available evidence is currently insufficient to determine the role of this variant in disease. Therefore, it has been classified as a Variant of Uncertain Significance.

Institute for Biomarker Research, Medical Diagnostic Laboratories, L.L.C.
Classification: Uncertain significance for Hereditary cancer-predisposing syndrome. Last evaluated: 2021-12-21. Review status: no assertion criteria provided. Collection method: clinical testing. Allele origin: germline. Not counted in ClinVar's aggregate classification.